The following is an entry in ClinVar:

ClinVar aggregate classification (germline): Uncertain significance (1 of 4 stars; one submission).

Allele frequency attached by ClinVar (database versions not stated): gnomAD exomes below 0.00001; TOPMed below 0.00001; ExAC 0.00001.
gnomAD v4.1: 3 of 1,561,818 alleles (0.00019%); highest among the groups gnomAD compares: Non-Finnish European, 0.00026%; no homozygotes.

Submission:

Labcorp Genetics (formerly Invitae), Labcorp
Classification: Uncertain significance. Last evaluated: 2024-02-19. Review status: criteria provided, single submitter. Criteria: Invitae Variant Classification Sherloc (09022015). Collection method: clinical testing. Allele origin: germline.
Comment: This sequence change replaces threonine, which is neutral and polar, with isoleucine, which is neutral and non-polar, at codon 180 of the LRP2 protein (p.Thr180Ile). This variant is present in population databases (rs767020002, gnomAD 0.0009%). This variant has not been reported in the literature in individuals affected with LRP2-related conditions. ClinVar contains an entry for this variant (Variation ID: 1968057). An algorithm developed to predict the effect of missense changes on protein structure and function (PolyPhen-2) suggests that this variant is likely to be disruptive. In summary, the available evidence is currently insufficient to determine the role of this variant in disease. Therefore, it has been classified as a Variant of Uncertain Significance.

NM_004525.3(LRP2):c.539C>T (p.Thr180Ile)

Gene: LRP2 (LDL receptor related protein 2; minus strand). Cytogenetic location: 2q31.1.
Variant type: single nucleotide variant.
Coding change: c.539C>T on transcript NM_004525.3 (MANE Select); coding-DNA position 539, C replaced by T.
Protein change: p.Thr180Ile; replaces threonine 180 with isoleucine.
Molecular consequence: missense variant.
Genome position (GRCh38, 1-based): chr2:169,294,261, G>A on the plus strand (C>T on the coding strand, the complement: LRP2 is on the minus strand). VCF-style: chr2-169294261-G-A. GRCh37 (hg19) VCF-style: chr2-170150771-G-A.
Other names: short protein forms T180I.
Identifiers: ClinVar variation 1968057 (VCV001968057.5), dbSNP rs767020002, ClinGen allele CA1955826.